The following is an entry in ClinVar:

ClinVar aggregate classification (germline): Benign. Review status: criteria provided, multiple submitters, no conflicts (2 of 4 stars). 3 submissions from 3 submitters: Benign (3). Last evaluated 2026-01-31.

Conditions:
Macular corneal dystrophy (MCD). Also called: GROENOUW TYPE II CORNEAL DYSTROPHY; Macular corneal dystrophy Type I. Identifiers: Orphanet 98969, MedGen C1636149, MONDO:0009020, OMIM 217800.

Allele frequency attached by ClinVar (database versions not stated): gnomAD exomes 0.00234; ExAC 0.00359; gnomAD 0.00952 and 0.01016; ESP Exome Variant Server 0.01009; TOPMed 0.01077; 1000 Genomes Project 30x 0.01124; 1000 Genomes Project 0.01138.
gnomAD v4.1: 2,763 of 1,609,842 alleles (0.17%); highest among the groups gnomAD compares: African/African-American, 3.3%; 50 homozygotes.

Submissions (3):

Labcorp Genetics (formerly Invitae), Labcorp
Classification: Benign for Macular corneal dystrophy. Last evaluated: 2026-01-31. Review status: criteria provided, single submitter. Criteria: Invitae Variant Classification Sherloc (09022015). Collection method: clinical testing. Allele origin: germline.

Illumina Laboratory Services, Illumina
Classification: Benign for Macular corneal dystrophy. Last evaluated: 2018-01-12. Review status: criteria provided, single submitter. Criteria: ICSL Variant Classification Criteria 13 December 2019. Collection method: clinical testing. Allele origin: germline.
Comment: This variant was observed in the ICSL laboratory as part of a predisposition screen in an ostensibly healthy population. It had not been previously curated by ICSL or reported in the Human Gene Mutation Database (HGMD: prior to June 1st, 2018), and was therefore a candidate for classification through an automated scoring system. Utilizing variant allele frequency, disease prevalence and penetrance estimates, and inheritance mode, an automated score was calculated to assess if this variant is too frequent to cause the disease. Based on the score and internal cut-off values, a variant classified as benign is not then subjected to further curation. The score for this variant resulted in a classification of benign for this disease.

Breakthrough Genomics
Classification: Benign. Review status: criteria provided, single submitter. Criteria: ACMG Guidelines, 2015. Collection method: not provided. Allele origin: germline. Inheritance: Autosomal recessive inheritance. Affected: yes.

NM_021615.5(CHST6):c.120C>T (p.Arg40=)

Gene: CHST6 (carbohydrate sulfotransferase 6; minus strand). Cytogenetic location: 16q23.1.
Variant type: single nucleotide variant.
Coding change: c.120C>T on transcript NM_021615.5 (MANE Select); coding-DNA position 120, C replaced by T.
Protein change: p.Arg40=; no amino-acid change (arginine 40 retained).
Molecular consequence: synonymous variant.
Genome position (GRCh38, 1-based): chr16:75,479,709, G>A on the plus strand (C>T on the coding strand, the complement: CHST6 is on the minus strand). VCF-style: chr16-75479709-G-A. GRCh37 (hg19) VCF-style: chr16-75513607-G-A.
Identifiers: ClinVar variation 320615 (VCV000320615.16), dbSNP rs61740904, ClinGen allele CA8175578.